The following is an entry in ClinVar:

ClinVar aggregate classification (germline): Uncertain significance (1 of 4 stars; one submission).

Conditions:
Lessel-Kreienkamp syndrome. Identifiers: MedGen C5436892, MONDO:0030897, OMIM 619149.

Submission:

3billion
Classification: Uncertain significance for Lessel-Kreienkamp syndrome. Last evaluated: 2022-05-22. Review status: criteria provided, single submitter. Criteria: ACMG Guidelines, 2015. Collection method: clinical testing. Allele origin: germline. Affected: yes. Observed: 1 heterozygote.
Comment: The variant is not observed in the gnomAD v2.1.1 dataset. Stop-gained (nonsense): predicted to result in a loss or disruption of normal protein function through nonsense-mediated decay (NMD) or protein truncation. However, only missense variants in AGO2 have been reported to be potentially pathogenic (PMID: 33199684) but gene constraint getrics (i.e. gnomAD pLI score) suggests that loss-of-function (LoF) variants are intolerable and may result in same or different disorder. Therefore, this variant is classified as uncertain significance (VUS) according to the recommendation of ACMG/AMP guideline.

Literature cited by the submitters: PubMed 33199684.

NM_012154.5(AGO2):c.586C>T (p.Arg196Ter)

Genes: AGO2 (argonaute RISC catalytic component 2; minus strand), LOC126860545 (MED14-independent group 3 enhancer GRCh37_chr8:141569579-141570778; plus strand). Cytogenetic location: 8q24.3.
Variant type: single nucleotide variant.
Coding change: c.586C>T on transcript NM_012154.5 (MANE Select); coding-DNA position 586, C replaced by T.
Protein change: p.Arg196Ter; replaces arginine 196 with a stop codon.
Molecular consequence: nonsense.
Genome position (GRCh38, 1-based): chr8:140,560,443, G>A on the plus strand (C>T on the coding strand, the complement: AGO2 is on the minus strand). VCF-style: chr8-140560443-G-A. GRCh37 (hg19) VCF-style: chr8-141570542-G-A.
Other names: c.586C>T, p.Arg196Ter (NM_001164623.3); short protein forms R196*.
Identifiers: ClinVar variation 1687559 (VCV001687559.2), dbSNP rs1005112700, ClinGen allele CA186543769.
Genomic context (GRCh38, chr8:140,560,443, plus strand): 5'-TCAGCATCATTTTCCAGAGAGAAGGCCGGACGGACTGATGGAAGCCAAACCACACTTCTC[G>A]GCCCCCGCCAAGAGGGTTAGAGCAGCCTTCGGACGCGGTGAAGAAGGAGCGGCCCACGGG-3'